The following is an entry in ClinVar:

ClinVar aggregate classification (germline): Pathogenic/Likely pathogenic. Review status: criteria provided, multiple submitters, no conflicts (2 of 4 stars). 2 submissions from 2 submitters: Pathogenic (1); Likely pathogenic (1). Last evaluated 2025-02-12.

Conditions:
Primary ciliary dyskinesia. Also called: Ciliary dyskinesia. Identifiers: Orphanet 244, MedGen C0008780, MONDO:0016575, HP:0012265.

Allele frequency attached by ClinVar (database versions not stated): gnomAD 0.00001.

Submissions (2):

Natera, Inc.
Classification: Likely pathogenic for Primary ciliary dyskinesia. Last evaluated: 2025-02-12. Review status: criteria provided, single submitter. Criteria: Natera Variant Classification Schema (03/2026). Collection method: clinical testing. Allele origin: germline.
Comment: The c.139del variant in DNAI1 is a frameshift variant predicted to shift the reading frame beginning at codon 47 and leads to a stop codon 11 codons downstream. This variant is expected to result in nonsense mediated decay, truncation, or a dysfunctional protein product. This variant is rare in the general population with a frequency below the threshold expected for the associated phenotype(s). Given the available evidence, this variant is classified as Likely Pathogenic.

Labcorp Genetics (formerly Invitae), Labcorp
Classification: Pathogenic for Primary ciliary dyskinesia. Last evaluated: 2024-01-16. Review status: criteria provided, single submitter. Criteria: Invitae Variant Classification Sherloc (09022015). Collection method: clinical testing. Allele origin: germline.
Comment: This sequence change creates a premature translational stop signal (p.Ala47Profs*11) in the DNAI1 gene. It is expected to result in an absent or disrupted protein product. Loss-of-function variants in DNAI1 are known to be pathogenic (PMID: 16858015, 29363216). This variant is not present in population databases (gnomAD no frequency). This premature translational stop signal has been observed in individual(s) with primary ciliary dyskinesia (PMID: 33715250). For these reasons, this variant has been classified as Pathogenic.

Literature cited by the submitters: PubMed 16858015 (cited by Labcorp Genetics (formerly Invitae), Labcorp); PubMed 29363216 (cited by Labcorp Genetics (formerly Invitae), Labcorp); PubMed 33715250 (cited by Labcorp Genetics (formerly Invitae), Labcorp).

NM_012144.4(DNAI1):c.139del (p.Ala47fs)

Gene: DNAI1 (dynein axonemal intermediate chain 1; plus strand). Cytogenetic location: 9p13.3.
Variant type: Deletion.
Coding change: c.139del on transcript NM_012144.4 (MANE Select); coding-DNA position 139, one base deleted (G; older notation c.139delG).
Protein change: p.Ala47fs; shifts the reading frame from alanine 47.
Molecular consequence: frameshift variant.
Genome position (GRCh38, 1-based): chr9:34,485,199, G deleted. VCF-style (leftmost placement, unchanged base first): chr9-34485198-AG-A. GRCh37 (hg19) VCF-style: chr9-34485196-AG-A.
Other names: c.139del, p.Ala47fs (NM_001281428.2); c.139del (NM_012144.3); short protein forms A47fs.
Identifiers: ClinVar variation 2726913 (VCV002726913.5), dbSNP rs1824446213, ClinGen allele CA1123149358.
Genomic context (GRCh38, chr9:34,485,198, plus strand): 5'-CTAGGATGAAGATTCAGGGACTGAAGTGGGAGAAGGCACAGATGAATGGGCCCAATCCAA[AG>A]CCACAGTTAGACCCCCTGACCAGCTGGAGTTGACCGATGCGGTGAGTGAGTAGCCTCTTG-3'